The following is an entry in ClinVar:

NM_000481.4(AMT):c.886C>T (p.Arg296Cys)

Gene: AMT (aminomethyltransferase; minus strand). Cytogenetic location: 3p21.31.
Variant type: single nucleotide variant.
Coding change: c.886C>T on transcript NM_000481.4 (MANE Select); coding-DNA position 886, C replaced by T.
Protein change: p.Arg296Cys; replaces arginine 296 with cysteine.
Molecular consequence: missense variant. On other transcripts: non-coding transcript variant (1).
Genome position (GRCh38, 1-based): chr3:49,417,965, G>A on the plus strand (C>T on the coding strand, the complement: AMT is on the minus strand). VCF-style: chr3-49417965-G-A. GRCh37 (hg19) VCF-style: chr3-49455398-G-A.
Other names: c.754C>T, p.Arg252Cys (NM_001164710.2); c.718C>T, p.Arg240Cys (NM_001164711.2); c.886C>T, p.Arg296Cys (NM_001164712.2); short protein forms R296C, R240C, R252C.
Identifiers: ClinVar variation 656955 (VCV000656955.12), dbSNP rs1056820947, ClinGen allele CA74512460.

ClinVar aggregate classification (germline): Pathogenic/Likely pathogenic. Review status: criteria provided, multiple submitters, no conflicts (2 of 4 stars). 3 submissions from 3 submitters: Pathogenic (1); Likely pathogenic (2). Last evaluated 2025-07-08.

Conditions:
Glycine encephalopathy. Also called: Nonketotic hyperglycinemia; Non-ketotic hyperglycinemia. Identifiers: Orphanet 407, MedGen C0751748, MONDO:0011612, HP:0008288.
Glycine encephalopathy 1 (GCE1). Identifiers: MedGen CN376801, MONDO:0958179, OMIM 605899.

Allele frequency attached by ClinVar (database versions not stated): gnomAD exomes below 0.00001; gnomAD 0.00001; TOPMed 0.00001.
gnomAD v4.1: 4 of 1,610,808 alleles (0.00025%); highest among the groups gnomAD compares: Non-Finnish European, 0.00034%; no homozygotes.

Submissions (3):

Labcorp Genetics (formerly Invitae), Labcorp
Classification: Pathogenic for Glycine encephalopathy. Last evaluated: 2025-07-08. Review status: criteria provided, single submitter. Criteria: Invitae Variant Classification Sherloc (09022015). Collection method: clinical testing. Allele origin: germline.
Comment: This sequence change replaces arginine, which is basic and polar, with cysteine, which is neutral and slightly polar, at codon 296 of the AMT protein (p.Arg296Cys). This variant is present in population databases (no rsID available, gnomAD 0.0009%). This missense change has been observed in individual(s) with glycine encephalopathy (PMID: 27362913; internal data). In at least one individual the data is consistent with being in trans (on the opposite chromosome) from a pathogenic variant. ClinVar contains an entry for this variant (Variation ID: 656955). Invitae Evidence Modeling of protein sequence and biophysical properties (such as structural, functional, and spatial information, amino acid conservation, physicochemical variation, residue mobility, and thermodynamic stability) indicates that this missense variant is expected to disrupt AMT protein function with a positive predictive value of 95%. This variant disrupts the p.Arg296 amino acid residue in AMT. Other variant(s) that disrupt this residue have been determined to be pathogenic (PMID: 6179960, 12948742, 16450403, 27362913). This suggests that this residue is clinically significant, and that variants that disrupt this residue are likely to be disease-causing. For these reasons, this variant has been classified as Pathogenic.

Laboratoire Génétique Moléculaire, CHRU TOURS
Classification: Likely pathogenic for Glycine encephalopathy 1. Last evaluated: 2022-12-12. Review status: criteria provided, single submitter. Criteria: ACMG Guidelines, 2015. Collection method: clinical testing. Allele origin: unknown. Affected: yes.
Comment: PM2;PM3;PP3;PP5

Fulgent Genetics
Classification: Likely pathogenic for Glycine encephalopathy 1. Last evaluated: 2021-07-08. Review status: criteria provided, single submitter. Criteria: ACMG Guidelines, 2015. Collection method: clinical testing. Allele origin: unknown.

Literature cited by the submitters: PubMed 27362913 (cited by Labcorp Genetics (formerly Invitae), Labcorp); PubMed 6179960 (cited by Labcorp Genetics (formerly Invitae), Labcorp); PubMed 12948742 (cited by Labcorp Genetics (formerly Invitae), Labcorp); PubMed 16450403 (cited by Labcorp Genetics (formerly Invitae), Labcorp).